The following is an entry in ClinVar:

ClinVar aggregate classification (germline): Uncertain significance. Review status: criteria provided, multiple submitters, no conflicts (2 of 4 stars). 2 submissions from 2 submitters: Uncertain significance (2). Last evaluated 2025-12-16.

Conditions:
Hypertrophic cardiomyopathy 19. Also called: Familial hypertrophic cardiomyopathy 19. Identifiers: MedGen CN077603, MONDO:0013476.

gnomAD v4.1: 5 of 1,601,370 alleles (0.00031%); highest among the groups gnomAD compares: Admixed American, 0.0052%; no homozygotes.

Submissions (2):

Ambry Genetics
Classification: Uncertain significance. Last evaluated: 2025-12-16. Review status: criteria provided, single submitter. Criteria: Ambry Variant Classification Scheme 2023. Collection method: clinical testing. Allele origin: germline.

Labcorp Genetics (formerly Invitae), Labcorp
Classification: Uncertain significance for Hypertrophic cardiomyopathy 19. Last evaluated: 2025-04-18. Review status: criteria provided, single submitter. Criteria: Invitae Variant Classification Sherloc (09022015). Collection method: clinical testing. Allele origin: germline.
Comment: This sequence change replaces glutamic acid, which is acidic and polar, with glycine, which is neutral and non-polar, at codon 25 of the CALR3 protein (p.Glu25Gly). This variant is not present in population databases (gnomAD no frequency). This variant has not been reported in the literature in individuals affected with CALR3-related conditions. Invitae Evidence Modeling of protein sequence and biophysical properties (such as structural, functional, and spatial information, amino acid conservation, physicochemical variation, residue mobility, and thermodynamic stability) indicates that this missense variant is expected to disrupt CALR3 protein function with a positive predictive value of 80%. In summary, the available evidence is currently insufficient to determine the role of this variant in disease. Therefore, it has been classified as a Variant of Uncertain Significance.

NM_145046.5(CALR3):c.74A>G (p.Glu25Gly)

Gene: CALR3 (calreticulin 3; minus strand). Cytogenetic location: 19p13.11.
Variant type: single nucleotide variant.
Coding change: c.74A>G on transcript NM_145046.5 (MANE Select); coding-DNA position 74, A replaced by G.
Protein change: p.Glu25Gly; replaces glutamic acid 25 with glycine.
Molecular consequence: missense variant.
Genome position (GRCh38, 1-based): chr19:16,496,056, T>C on the plus strand (A>G on the coding strand, the complement: CALR3 is on the minus strand). VCF-style: chr19-16496056-T-C. GRCh37 (hg19) VCF-style: chr19-16606867-T-C.
Other names: c.74A>G (NM_145046.3); short protein forms E25G.
Identifiers: ClinVar variation 4754040 (VCV004754040.2).
Genomic context (GRCh38, chr19:16,496,056, plus strand): 5'-GGGGGAGCTTACACCTCCGCCACCACGGGCGTGGCCCCTTCACCTCCGTCTAGAAATTCC[T>C]CTTGGAAATAGACGGTAGCCAGCGCCACTCGCAGCATGCATATGGCCCAGAGCTGGACCA-3'
Protein context (NP_659483.2, residues 15-35): RVALATVYFQ[Glu25Gly]EFLDGEHWRN